The following is an entry in ClinVar:

NM_000257.4(MYH7):c.5412C>G (p.Ala1804=)

Gene: MYH7 (myosin heavy chain 7; minus strand). Cytogenetic location: 14q11.2.
Variant type: single nucleotide variant.
Coding change: c.5412C>G on transcript NM_000257.4 (MANE Select); coding-DNA position 5412, C replaced by G.
Protein change: p.Ala1804=; no amino-acid change (alanine 1804 retained).
Molecular consequence: synonymous variant.
Genome position (GRCh38, 1-based): chr14:23,415,142, G>C on the plus strand (C>G on the coding strand, the complement: MYH7 is on the minus strand). VCF-style: chr14-23415142-G-C. GRCh37 (hg19) VCF-style: chr14-23884351-G-C.
Other names: c.5412C>G (LRG_384t1).
Identifiers: ClinVar variation 237439 (VCV000237439.27), dbSNP rs147433856, ClinGen allele CA046706.

ClinVar aggregate classification (germline): Likely benign. Review status: criteria provided, multiple submitters, no conflicts (2 of 4 stars). 9 submissions from 9 submitters: Likely benign (7). 2 of the submissions do not count toward it. Last evaluated 2026-01-06.

Conditions:
Cardiovascular phenotype. Identifiers: MedGen CN230736.
Cardiomyopathy (CMYO). Also called: Cardiomyopathies. Identifiers: Orphanet 167848, MedGen C0878544, MONDO:0004994, HP:0001638. Inheritance: Various modes of inheritance.
Hypertrophic cardiomyopathy. Also called: HYPERTROPHIC MYOCARDIOPATHY. Identifiers: Orphanet 217569, MedGen C0007194, MeSH D002312, MONDO:0005045, HP:0001639.

Allele frequency attached by ClinVar (database versions not stated): gnomAD 0.00019 and 0.00016; TOPMed 0.00025; ESP Exome Variant Server 0.00038; gnomAD exomes 0.00001 and 0.00006; ExAC 0.00007.
gnomAD v4.1: 46 of 1,614,066 alleles (0.0028%); highest among the groups gnomAD compares: African/African-American, 0.059%; no homozygotes.

Submissions (9):

Labcorp Genetics (formerly Invitae), Labcorp
Classification: Likely benign for Hypertrophic cardiomyopathy. Last evaluated: 2026-01-06. Review status: criteria provided, single submitter. Criteria: Invitae Variant Classification Sherloc (09022015). Collection method: clinical testing. Allele origin: germline.

CeGaT Center for Human Genetics Tuebingen
Classification: Likely benign. Last evaluated: 2026-01-01. Review status: criteria provided, single submitter. Criteria: CeGaT Center For Human Genetics Tuebingen Variant Classification Criteria Version 2. Collection method: clinical testing. Allele origin: germline. Affected: yes. Observed: 1 variant allele.
Comment: MYH7: BP4, BP7

All of Us Research Program, National Institutes of Health
Classification: Likely benign for Cardiomyopathy. Last evaluated: 2023-12-13. Review status: criteria provided, single submitter. Criteria: ACMG Guidelines, 2015. Collection method: clinical testing. Allele origin: germline. Inheritance: Autosomal dominant inheritance. Observed: 7 variant alleles, 7 heterozygotes.
Comment: This study involves interpretation of variants in research participants for the purpose of population health screening. Participant phenotype was not available at the time of variant classification. Additional details can be found in publication PMID: 35346344, PMCID: PMC8962531

Women's Health and Genetics/Laboratory Corporation of America, LabCorp
Classification: Likely benign. Last evaluated: 2023-05-06. Review status: criteria provided, single submitter. Criteria: LabCorp Variant Classification Summary - May 2015. Collection method: clinical testing. Allele origin: germline.

CHEO Genetics Diagnostic Laboratory, Children's Hospital of Eastern Ontario
Classification: Likely benign for Cardiomyopathy. Last evaluated: 2023-02-15. Review status: criteria provided, single submitter. Criteria: ACMG Guidelines, 2015. Collection method: clinical testing. Allele origin: germline.

Color Diagnostics, LLC DBA Color Health
Classification: Likely benign for Cardiomyopathy. Last evaluated: 2018-12-04. Review status: criteria provided, single submitter. Criteria: ACMG Guidelines, 2015. Collection method: clinical testing. Allele origin: germline.

Ambry Genetics
Classification: Likely benign for Cardiovascular phenotype. Last evaluated: 2017-04-27. Review status: criteria provided, single submitter. Criteria: Ambry Variant Classification Scheme 2023. Collection method: clinical testing. Allele origin: germline.

Clinical Genetics, Academic Medical Center
Classification: Benign. Review status: no assertion criteria provided. Collection method: clinical testing. Allele origin: germline. Affected: yes. Study: VKGL Data-share Consensus. Not counted in ClinVar's aggregate classification.

Diagnostic Laboratory, Department of Genetics, University Medical Center Groningen
Classification: Likely benign. Review status: no assertion criteria provided. Collection method: clinical testing. Allele origin: germline. Affected: yes. Study: VKGL Data-share Consensus. Not counted in ClinVar's aggregate classification.